The following is an entry in ClinVar:

ClinVar aggregate classification (germline): Likely benign. Review status: criteria provided, multiple submitters, no conflicts (2 of 4 stars). 2 submissions from 2 submitters: Likely benign (2). Last evaluated 2024-07-20.

Conditions:
RYR1-related disorder. Also called: RYR1-related condition; RYR1-related disorders. Identifiers: MedGen CN239331.
Malignant hyperthermia, susceptibility to, 1 (MHS1). Also called: Malignant hyperthermia suceptibility 1; Anesthesia related hyperthermia; Malignant hyperpyrexia; Fulminating hyperpyrexia; Pharmacogenic myopathy; RYR1-Related Malignant Hyperthermia Susceptibility. Identifiers: Orphanet 423, MedGen C2930980, MONDO:0007783, OMIM 145600.

Allele frequency attached by ClinVar (database versions not stated): TOPMed below 0.00001; gnomAD 0.00001; gnomAD exomes 0.00001.
gnomAD v4.1: 14 of 1,614,092 alleles (0.00087%); highest among the groups gnomAD compares: Non-Finnish European, 0.0011%; no homozygotes.

Submissions (2):

All of Us Research Program, National Institutes of Health
Classification: Likely benign for Malignant hyperthermia, susceptibility to, 1. Last evaluated: 2024-07-20. Review status: criteria provided, single submitter. Criteria: ACMG Guidelines, 2015. Collection method: clinical testing. Allele origin: germline. Inheritance: Autosomal dominant inheritance. Observed: 1 variant allele, 1 heterozygote.
Comment: This study involves interpretation of variants in research participants for the purpose of population health screening. Participant phenotype was not available at the time of variant classification. Additional details can be found in publication PMID: 35346344, PMCID: PMC8962531

Labcorp Genetics (formerly Invitae), Labcorp
Classification: Likely benign for RYR1-related disorder. Last evaluated: 2024-01-04. Review status: criteria provided, single submitter. Criteria: Invitae Variant Classification Sherloc (09022015). Collection method: clinical testing. Allele origin: germline.

NM_000540.3(RYR1):c.6960C>T (p.Asp2320=)

Gene: RYR1 (ryanodine receptor 1; plus strand). Cytogenetic location: 19q13.2.
Variant type: single nucleotide variant.
Coding change: c.6960C>T on transcript NM_000540.3 (MANE Select); coding-DNA position 6960, C replaced by T.
Protein change: p.Asp2320=; no amino-acid change (aspartic acid 2320 retained).
Molecular consequence: synonymous variant.
Genome position (GRCh38, 1-based): chr19:38,499,176, C>T. VCF-style: chr19-38499176-C-T. GRCh37 (hg19) VCF-style: chr19-38989816-C-T.
Other names: c.6960C>T, p.Asp2320= (NM_001042723.2).
Identifiers: ClinVar variation 1640059 (VCV001640059.9), dbSNP rs1271691326, ClinGen allele CA507243181.